The following is an entry in ClinVar:

ClinVar aggregate classification (germline): Pathogenic (1 of 4 stars; one submission).

Conditions:
Phenylketonuria (PKU). Also called: FOLLING DISEASE; OLIGOPHRENIA PHENYLPYRUVICA; Phenylketonurias; Phenylketonuria (PKU). Identifiers: Orphanet 716, MedGen C0031485, MONDO:0009861, OMIM 261600. Disease mechanism: loss of function.

Submission:

Prenatal Diagnosis Center, Yancheng Maternal and Child Health Care Hospital Affiliated to Yangzhou University
Classification: Pathogenic for Phenylketonuria. Last evaluated: 2026-09-19. Review status: criteria provided, single submitter. Criteria: ACMG Guidelines, 2015. Collection method: clinical testing. Allele origin: paternal. Affected: yes.
Comment: This PAH c.73_74dup variant is a frameshift duplication variant (NM_000277.3), predicted by Mutalyzer to result in p.Glu26Leufs*13. The variant shifts the reading frame and introduces a premature termination codon early in the transcript, which is likely to trigger nonsense-mediated mRNA decay and loss of PAH protein function. Phenylketonuria is caused by biallelic loss-of-function variants in PAH. This variant is absent in gnomAD v2.1.1 (GRCh37) population database (PM2). BH4 deficiency was excluded, consistent with the clinical diagnosis of phenylketonuria (PP4). According to ACMG/AMP 2015 guidelines and ClinGen PAH VCEP specifications, this variant is classified as Pathogenic (PVS1 + PM2 + PM3_VeryStrong + PP4).

NM_000277.3(PAH):c.73_74dup (p.Glu26fs)

Gene: PAH (phenylalanine hydroxylase; minus strand). Cytogenetic location: 12q23.2.
Variant type: Microsatellite.
Coding change: c.73_74dup on transcript NM_000277.3 (MANE Select); coding-DNA positions 73 to 74, 2 bases duplicated (AT; older notation c.73_74dupAT).
Protein change: p.Glu26fs; shifts the reading frame from glutamic acid 26.
Molecular consequence: frameshift variant.
Genome position (GRCh38, 1-based): chr12:102,912,885-102,912,886, AT duplicated on the plus strand (AT on the coding strand, the reverse complement: PAH is on the minus strand); duplicating any 2 consecutive bases within chr12:102,912,885-102,912,889 gives the same sequence; the c. name uses the placement nearest the transcript's 3' end. VCF-style (leftmost placement, unchanged base first): chr12-102912884-A-AAT. GRCh37 (hg19) VCF-style: chr12-103306662-A-AAT.
Other names: c.73_74dup, p.Glu26fs (NM_001354304.2); short protein forms E26fs.
Identifiers: ClinVar variation 5010294 (VCV005010294.1).
Genomic context (GRCh38, chr12:102,912,884, plus strand): 5'-AACTTCTTCTTTGAGTGAGAAGATCAGTGATATGGCACCATTTTGATTGCAGTTGTCTTC[A>AAT]ATATAGCTTGTTTCCTACAGGATAAGATGCATTTGTTTAAAACATTTTCCACAGTTTAGC-3'